The following is an entry in ClinVar:

NM_001098.3(ACO2):c.2209C>A (p.Pro737Thr)

Genes: ACO2 (aconitase 2; plus strand), POLR3H (RNA polymerase III subunit H; minus strand). Cytogenetic location: 22q13.2.
Variant type: single nucleotide variant.
Coding change: c.2209C>A on transcript NM_001098.3 (MANE Select); coding-DNA position 2209, C replaced by A.
Protein change: p.Pro737Thr; replaces proline 737 with threonine.
Molecular consequence: missense variant. On other transcripts: 3 prime UTR variant (5).
Genome position (GRCh38, 1-based): chr22:41,528,479, C>A. VCF-style: chr22-41528479-C-A. GRCh37 (hg19) VCF-style: chr22-41924483-C-A.
Other names: p.Pro737Thr; c.*804G>T (NM_001018050.4, NM_001018052.4, NM_001282884.2 and 2 more transcripts); short protein forms P737T.
Identifiers: ClinVar variation 422988 (VCV000422988.17), dbSNP rs149528960, ClinGen allele CA10257945.

ClinVar aggregate classification (germline): Uncertain significance. Review status: criteria provided, multiple submitters, no conflicts (2 of 4 stars). 6 submissions from 6 submitters: Uncertain significance (6). Last evaluated 2025-06-01.

Conditions:
Inborn genetic diseases. Identifiers: MedGen C0950123, MeSH D030342.

Allele frequency attached by ClinVar (database versions not stated): gnomAD 0.00006; TOPMed 0.00006.
gnomAD v4.1: 199 of 1,611,868 alleles (0.012%); highest among the groups gnomAD compares: Non-Finnish European, 0.017%; no homozygotes.

Submissions (6):

CeGaT Center for Human Genetics Tuebingen
Classification: Uncertain significance. Last evaluated: 2025-06-01. Review status: criteria provided, single submitter. Criteria: CeGaT Center For Human Genetics Tuebingen Variant Classification Criteria Version 2. Collection method: clinical testing. Allele origin: germline. Affected: yes. Observed: 1 variant allele.
Comment: ACO2: PM2:Supporting, BP4

Ambry Genetics
Classification: Uncertain significance for Inborn genetic diseases. Last evaluated: 2025-05-20. Review status: criteria provided, single submitter. Criteria: Ambry Variant Classification Scheme 2023. Collection method: clinical testing. Allele origin: germline.

Mayo Clinic Laboratories, Mayo Clinic
Classification: Uncertain significance. Last evaluated: 2025-05-19. Review status: criteria provided, single submitter. Criteria: ACMG Guidelines, 2015. Collection method: clinical testing. Allele origin: germline. Observed: 1 variant allele.
Comment: BP4

Labcorp Genetics (formerly Invitae), Labcorp
Classification: Uncertain significance. Last evaluated: 2025-01-06. Review status: criteria provided, single submitter. Criteria: Invitae Variant Classification Sherloc (09022015). Collection method: clinical testing. Allele origin: germline.
Comment: This sequence change replaces proline, which is neutral and non-polar, with threonine, which is neutral and polar, at codon 737 of the ACO2 protein (p.Pro737Thr). This variant is present in population databases (rs149528960, gnomAD 0.008%). This variant has not been reported in the literature in individuals affected with ACO2-related conditions. ClinVar contains an entry for this variant (Variation ID: 422988). An algorithm developed to predict the effect of missense changes on protein structure and function (PolyPhen-2) suggests that this variant is likely to be tolerated. In summary, the available evidence is currently insufficient to determine the role of this variant in disease. Therefore, it has been classified as a Variant of Uncertain Significance.

Blueprint Genetics
Classification: Uncertain significance. Last evaluated: 2021-12-09. Review status: criteria provided, single submitter. Criteria: ACMG Guidelines, 2015. Collection method: clinical testing. Allele origin: germline.

GeneDx
Classification: Uncertain significance. Last evaluated: 2017-01-19. Review status: criteria provided, single submitter. Criteria: GeneDx Variant Classification (06012015). Collection method: clinical testing. Allele origin: germline. Affected: yes.
Comment: The P737T variant has not been published as a pathogenic variant, nor has it been reported as a benign variant to our knowledge. This variant is not observed at a significant frequency in large population cohorts (Lek et al., 2016; 1000 Genomes Consortium et al., 2015; Exome Variant Server). This variant is a non-conservative amino acid substitution that occurs at a position that is conserved across species. In silico analysis predicts this variant is probably damaging to the protein structure/function. Therefore, based on the currently available information, it is unclear whether this variant is a pathogenic variant or a rare benign variant.